The following is an entry in ClinVar:

ClinVar aggregate classification (germline): Uncertain significance. Review status: criteria provided, multiple submitters, no conflicts (2 of 4 stars). 2 submissions from 2 submitters: Uncertain significance (2). Last evaluated 2025-05-15.

Conditions:
Fanconi anemia (FA). Also called: Fanconi's anemia. Identifiers: Orphanet 84, MedGen C0015625, MeSH D005199, MONDO:0019391.
Inborn genetic diseases. Identifiers: MedGen C0950123, MeSH D030342.

Submissions (2):

Ambry Genetics
Classification: Uncertain significance for Inborn genetic diseases. Last evaluated: 2025-05-15. Review status: criteria provided, single submitter. Criteria: Ambry Variant Classification Scheme 2023. Collection method: clinical testing. Allele origin: germline.
Comment: The p.P1179L variant (also known as c.3536C>T), located in coding exon 36 of the FANCA gene, results from a C to T substitution at nucleotide position 3536. The proline at codon 1179 is replaced by leucine, an amino acid with similar properties. This amino acid position is conserved. In addition, the in silico prediction for this alteration is inconclusive. Based on the available evidence, the clinical significance of this variant remains unclear.

Labcorp Genetics (formerly Invitae), Labcorp
Classification: Uncertain significance for Fanconi anemia. Last evaluated: 2022-03-12. Review status: criteria provided, single submitter. Criteria: Invitae Variant Classification Sherloc (09022015). Collection method: clinical testing. Allele origin: germline.
Comment: In summary, the available evidence is currently insufficient to determine the role of this variant in disease. Therefore, it has been classified as a Variant of Uncertain Significance. Advanced modeling of protein sequence and biophysical properties (such as structural, functional, and spatial information, amino acid conservation, physicochemical variation, residue mobility, and thermodynamic stability) performed at Invitae indicates that this missense variant is expected to disrupt FANCA protein function. This variant has not been reported in the literature in individuals affected with FANCA-related conditions. This variant is not present in population databases (gnomAD no frequency). This sequence change replaces proline, which is neutral and non-polar, with leucine, which is neutral and non-polar, at codon 1179 of the FANCA protein (p.Pro1179Leu).

NM_000135.4(FANCA):c.3536C>T (p.Pro1179Leu)

Gene: FANCA (FA complementation group A; minus strand). Cytogenetic location: 16q24.3.
Variant type: single nucleotide variant.
Coding change: c.3536C>T on transcript NM_000135.4 (MANE Select); coding-DNA position 3536, C replaced by T.
Protein change: p.Pro1179Leu; replaces proline 1179 with leucine.
Molecular consequence: missense variant.
Genome position (GRCh38, 1-based): chr16:89,745,049, G>A on the plus strand (C>T on the coding strand, the complement: FANCA is on the minus strand). VCF-style: chr16-89745049-G-A. GRCh37 (hg19) VCF-style: chr16-89811457-G-A.
Other names: c.3536C>T, p.Pro1179Leu (NM_001286167.3); short protein forms P1179L.
Identifiers: ClinVar variation 1964110 (VCV001964110.6), dbSNP rs141422170, ClinGen allele CA397485748.